The following is an entry in ClinVar:

NM_057175.5(NAA15):c.1798AGA[1] (p.Arg601del)

Gene: NAA15 (N-alpha-acetyltransferase 15, NatA auxiliary subunit; plus strand). Cytogenetic location: 4q31.1.
Variant type: Microsatellite.
Coding change: c.1798AGA[1] on transcript NM_057175.5 (MANE Select); one copy of the 3-base unit AGA starting at c.1798; the reference has two copies in a row; one copy, 3 bases deleted.
Protein change: p.Arg601del; deletes arginine 601.
Genome position (GRCh38, 1-based): chr4:139,370,258-139,370,260, AGA deleted; deleting any 3 consecutive bases within chr4:139,370,254-139,370,260 gives the same sequence; the position shown is the placement nearest the transcript's 3' end. VCF-style (leftmost placement, unchanged base first): chr4-139370253-AAAG-A. GRCh37 (hg19) VCF-style: chr4-140291407-AAAG-A.
Other names: c.1798AGA[1], p.Arg601del (NM_001410842.1); short protein forms R601del.
Identifiers: ClinVar variation 3900532 (VCV003900532.1).

ClinVar aggregate classification (germline): Uncertain significance (1 of 4 stars; one submission).

Submission:

GeneDx
Classification: Uncertain significance. Last evaluated: 2024-11-21. Review status: criteria provided, single submitter. Criteria: GeneDx Variant Classification Process June 2021. Collection method: clinical testing. Allele origin: germline. Affected: yes.
Comment: Not observed at significant frequency in large population cohorts (gnomAD); In-frame deletion of 1 amino acid in a non-repeat region; In silico analysis supports a deleterious effect on protein structure/function; Has not been previously published as pathogenic or benign to our knowledge